The following is an entry in ClinVar:

ClinVar aggregate classification (germline): Uncertain significance. Review status: criteria provided, multiple submitters, no conflicts (2 of 4 stars). 3 submissions from 3 submitters: Uncertain significance (3). Last evaluated 2025-01-16.

Conditions:
Myopathy, centronuclear, 2 (CNM2). Also called: MYOTUBULAR MYOPATHY, AUTOSOMAL RECESSIVE. Identifiers: Orphanet 169186, MedGen CN031787, MONDO:0009709, OMIM 255200.
Inborn genetic diseases. Identifiers: MedGen C0950123, MeSH D030342.

Allele frequency attached by ClinVar (database versions not stated): gnomAD 0.00003; TOPMed 0.00003; ExAC 0.00007.
gnomAD v4.1: 50 of 1,613,962 alleles (0.0031%); highest among the groups gnomAD compares: Admixed American, 0.058%; no homozygotes.

Submissions (3):

Ambry Genetics
Classification: Uncertain significance for Inborn genetic diseases. Last evaluated: 2025-01-16. Review status: criteria provided, single submitter. Criteria: Ambry Variant Classification Scheme 2023. Collection method: clinical testing. Allele origin: germline.

Labcorp Genetics (formerly Invitae), Labcorp
Classification: Uncertain significance for Myopathy, centronuclear, 2. Last evaluated: 2024-09-17. Review status: criteria provided, single submitter. Criteria: Invitae Variant Classification Sherloc (09022015). Collection method: clinical testing. Allele origin: germline.
Comment: This sequence change replaces glycine, which is neutral and non-polar, with serine, which is neutral and polar, at codon 96 of the BIN1 protein (p.Gly96Ser). This variant is present in population databases (rs769724273, gnomAD 0.09%). This variant has not been reported in the literature in individuals affected with BIN1-related conditions. ClinVar contains an entry for this variant (Variation ID: 661771). Invitae Evidence Modeling of protein sequence and biophysical properties (such as structural, functional, and spatial information, amino acid conservation, physicochemical variation, residue mobility, and thermodynamic stability) indicates that this missense variant is expected to disrupt BIN1 protein function with a positive predictive value of 80%. In summary, the available evidence is currently insufficient to determine the role of this variant in disease. Therefore, it has been classified as a Variant of Uncertain Significance.

GeneDx
Classification: Uncertain significance. Last evaluated: 2024-05-31. Review status: criteria provided, single submitter. Criteria: GeneDx Variant Classification Process June 2021. Collection method: clinical testing. Allele origin: germline. Affected: yes.
Comment: In silico analysis supports that this missense variant has a deleterious effect on protein structure/function; Has not been previously published as pathogenic or benign to our knowledge

NM_139343.3(BIN1):c.286G>A (p.Gly96Ser)

Gene: BIN1 (bridging integrator 1; minus strand). Cytogenetic location: 2q14.3.
Variant type: single nucleotide variant.
Coding change: c.286G>A on transcript NM_139343.3 (MANE Select); coding-DNA position 286, G replaced by A.
Protein change: p.Gly96Ser; replaces glycine 96 with serine.
Molecular consequence: missense variant.
Genome position (GRCh38, 1-based): chr2:127,070,582, C>T on the plus strand (G>A on the coding strand, the complement: BIN1 is on the minus strand). VCF-style: chr2-127070582-C-T. GRCh37 (hg19) VCF-style: chr2-127828158-C-T.
Other names: c.286G>A, p.Gly96Ser (NM_001320632.2, NM_001320633.2, NM_001320640.2 and 10 more transcripts); c.214G>A, p.Gly72Ser (NM_001320634.1); c.205G>A, p.Gly69Ser (NM_001320642.1); short protein forms G69S, G96S, G72S.
Identifiers: ClinVar variation 661771 (VCV000661771.12), dbSNP rs769724273, ClinGen allele CA1857526.